The following is an entry in ClinVar:

ClinVar aggregate classification (germline): Uncertain significance (1 of 4 stars; one submission).

Allele frequency attached by ClinVar (database versions not stated): gnomAD exomes below 0.00001; gnomAD 0.00001.
gnomAD v4.1: 8 of 1,594,982 alleles (0.0005%); highest among the groups gnomAD compares: Non-Finnish European, 0.00068%; no homozygotes.

Submission:

Labcorp Genetics (formerly Invitae), Labcorp
Classification: Uncertain significance. Last evaluated: 2022-06-28. Review status: criteria provided, single submitter. Criteria: Invitae Variant Classification Sherloc (09022015). Collection method: clinical testing. Allele origin: germline.
Comment: This sequence change replaces lysine, which is basic and polar, with arginine, which is basic and polar, at codon 224 of the LARP7 protein (p.Lys224Arg). This variant is not present in population databases (gnomAD no frequency). This variant has not been reported in the literature in individuals affected with LARP7-related conditions. Algorithms developed to predict the effect of missense changes on protein structure and function are either unavailable or do not agree on the potential impact of this missense change (SIFT: "Deleterious"; PolyPhen-2: "Benign"; Align-GVGD: "Class C0"). In summary, the available evidence is currently insufficient to determine the role of this variant in disease. Therefore, it has been classified as a Variant of Uncertain Significance.

NM_016648.4(LARP7):c.671A>G (p.Lys224Arg)

Genes: LARP7 (La ribonucleoprotein 7, transcriptional regulator; plus strand), MIR302CHG (miR-302/367 cluster host gene; minus strand). Cytogenetic location: 4q25.
Variant type: single nucleotide variant.
Coding change: c.671A>G on transcript NM_016648.4 (MANE Select); coding-DNA position 671, A replaced by G.
Protein change: p.Lys224Arg; replaces lysine 224 with arginine.
Molecular consequence: missense variant.
Genome position (GRCh38, 1-based): chr4:112,647,223, A>G. VCF-style: chr4-112647223-A-G. GRCh37 (hg19) VCF-style: chr4-113568379-A-G.
Other names: c.671A>G, p.Lys224Arg (NM_001267039.4, NM_001370974.1, NM_001370975.1 and 2 more transcripts); c.668A>G, p.Lys223Arg (NM_001370976.1, NM_001370977.1, NM_001370979.1 and 1 more transcripts); c.434A>G, p.Lys145Arg (NM_001370981.1, NM_001370982.1); short protein forms K223R, K224R, K145R.
Identifiers: ClinVar variation 1511526 (VCV001511526.3), dbSNP rs2048337676, ClinGen allele CA357924778.